The following is an entry in ClinVar:

NM_001287.6(CLCN7):c.2185G>A (p.Asp729Asn)

Gene: CLCN7 (chloride voltage-gated channel 7; minus strand). Cytogenetic location: 16p13.3.
Variant type: single nucleotide variant.
Coding change: c.2185G>A on transcript NM_001287.6 (MANE Select); coding-DNA position 2185, G replaced by A.
Protein change: p.Asp729Asn; replaces aspartic acid 729 with asparagine.
Molecular consequence: missense variant.
Genome position (GRCh38, 1-based): chr16:1,447,457, C>T on the plus strand (G>A on the coding strand, the complement: CLCN7 is on the minus strand). VCF-style: chr16-1447457-C-T. GRCh37 (hg19) VCF-style: chr16-1497458-C-T.
Other names: c.2113G>A, p.Asp705Asn (NM_001114331.3); short protein forms D705N, D729N.
Identifiers: ClinVar variation 1521795 (VCV001521795.8), dbSNP rs2142365692, ClinGen allele CA394185595.

ClinVar aggregate classification (germline): Uncertain significance (1 of 4 stars; one submission).

Submission:

Labcorp Genetics (formerly Invitae), Labcorp
Classification: Uncertain significance. Last evaluated: 2021-04-09. Review status: criteria provided, single submitter. Criteria: Invitae Variant Classification Sherloc (09022015). Collection method: clinical testing. Allele origin: germline.
Comment: In summary, the available evidence is currently insufficient to determine the role of this variant in disease. Therefore, it has been classified as a Variant of Uncertain Significance. Advanced modeling of protein sequence and biophysical properties (such as structural, functional, and spatial information, amino acid conservation, physicochemical variation, residue mobility, and thermodynamic stability) performed at Invitae indicates that this missense variant is not expected to disrupt CLCN7 protein function. This variant has not been reported in the literature in individuals with CLCN7-related conditions. This variant is not present in population databases (ExAC no frequency). This sequence change replaces aspartic acid with asparagine at codon 729 of the CLCN7 protein (p.Asp729Asn). The aspartic acid residue is moderately conserved and there is a small physicochemical difference between aspartic acid and asparagine.